The following is an entry in ClinVar:

NM_000051.4(ATM):c.5926G>C (p.Ala1976Pro)

Genes: ATM (ATM serine/threonine kinase; plus strand), C11orf65 (chromosome 11 open reading frame 65; minus strand). Cytogenetic location: 11q22.3.
Variant type: single nucleotide variant.
Coding change: c.5926G>C on transcript NM_000051.4 (MANE Select); coding-DNA position 5926, G replaced by C.
Protein change: p.Ala1976Pro; replaces alanine 1976 with proline.
Molecular consequence: missense variant. On other transcripts: intron variant (2).
Genome position (GRCh38, 1-based): chr11:108,312,418, G>C. VCF-style: chr11-108312418-G-C. GRCh37 (hg19) VCF-style: chr11-108183145-G-C.
Other names: c.5926G>C, p.Ala1976Pro (NM_001351834.2); c.641-3347C>G (NM_001330368.2); c.*39-3347C>G (NM_001351110.2); short protein forms A1976P.
Identifiers: ClinVar variation 1371753 (VCV001371753.7), dbSNP rs2084241683, ClinGen allele CA382548642.
Genomic context (GRCh38, chr11:108,312,418, plus strand): 5'-GGAGCTTCCAAATAGTATGTTCTCATTAAAAGAGGTGTTCTTGTGACAAACAGAAGTCTT[G>C]CATTTGAAGAAGGAAGCCAGAGTACAACTATTTCTAGCTTGAGTGAAAAAAGTAAAGAAG-3'
Protein context (NP_000042.3, residues 1966-1986): SMDDQEKRSL[Ala1976Pro]FEEGSQSTTI

ClinVar aggregate classification (germline): Uncertain significance (1 of 4 stars; one submission).

Conditions:
Ataxia-telangiectasia syndrome (AT). Also called: Ataxia-telangiectasia; LOUIS-BAR SYNDROME; Ataxia-telangiectasia, complementation group D; AT, COMPLEMENTATION GROUP C; ATAXIA-TELANGIECTASIA, COMPLEMENTATION GROUP A; ATAXIA-TELANGIECTASIA, FRESNO VARIANT. Identifiers: Orphanet 100, MedGen C0004135, MONDO:0008840, OMIM 208900.

Submission:

Labcorp Genetics (formerly Invitae), Labcorp
Classification: Uncertain significance for Ataxia-telangiectasia syndrome. Last evaluated: 2023-07-10. Review status: criteria provided, single submitter. Criteria: Invitae Variant Classification Sherloc (09022015). Collection method: clinical testing. Allele origin: germline.
Comment: An algorithm developed to predict the effect of missense changes on protein structure and function (PolyPhen-2) suggests that this variant is likely to be tolerated. ClinVar contains an entry for this variant (Variation ID: 1371753). This variant has not been reported in the literature in individuals affected with ATM-related conditions. This variant is not present in population databases (gnomAD no frequency). This sequence change replaces alanine, which is neutral and non-polar, with proline, which is neutral and non-polar, at codon 1976 of the ATM protein (p.Ala1976Pro). In summary, the available evidence is currently insufficient to determine the role of this variant in disease. Therefore, it has been classified as a Variant of Uncertain Significance.